The following is an entry in ClinVar:

NM_001048174.2(MUTYH):c.119T>A (p.Leu40Gln)

Gene: MUTYH (mutY DNA glycosylase; minus strand). Cytogenetic location: 1p34.1.
Variant type: single nucleotide variant.
Coding change: c.119T>A on transcript NM_001048174.2 (MANE Select); coding-DNA position 119, T replaced by A.
Protein change: p.Leu40Gln; replaces leucine 40 with glutamine.
Molecular consequence: missense variant. On other transcripts: 5 prime UTR variant (1), non-coding transcript variant (5), intron variant (5).
Genome position (GRCh38, 1-based): chr1:45,333,558, A>T on the plus strand (T>A on the coding strand, the complement: MUTYH is on the minus strand). VCF-style: chr1-45333558-A-T. GRCh37 (hg19) VCF-style: chr1-45799230-A-T.
Other names: c.119T>A, p.Leu40Gln (NM_001048171.2, NM_001048173.2, NM_001293195.2 and 6 more transcripts); c.122T>A, p.Leu41Gln (NM_001048172.2, NM_001407071.1, NM_001407078.1 and 2 more transcripts); c.203T>A, p.Leu68Gln (NM_001128425.2); c.164T>A, p.Leu55Gln (NM_001293190.2); c.152T>A, p.Leu51Gln (NM_001293191.2, NM_001407077.1); c.-153T>A (NM_001350650.2); c.194T>A, p.Leu65Gln (NM_001407069.1, NM_012222.3); c.161T>A, p.Leu54Gln (NM_001407073.1, NM_001407083.1, NM_001407085.1); and 4 more; short protein forms L51Q, L54Q, L55Q, L68Q, L12Q, L40Q, L65Q, L41Q.
Identifiers: ClinVar variation 4113497 (VCV004113497.1).

ClinVar aggregate classification (germline): Uncertain significance (1 of 4 stars; one submission).

Conditions:
Hereditary cancer-predisposing syndrome. Also called: Hereditary neoplastic syndrome; Neoplastic Syndromes, Hereditary; Tumor predisposition; Hereditary Cancer Syndrome. Identifiers: Orphanet 140162, MedGen C0027672, MeSH D009386, MONDO:0015356.

Submission:

Ambry Genetics
Classification: Uncertain significance for Hereditary cancer-predisposing syndrome. Last evaluated: 2025-08-27. Review status: criteria provided, single submitter. Criteria: Ambry Variant Classification Scheme 2023. Collection method: clinical testing. Allele origin: germline.
Comment: The p.L68Q variant (also known as c.203T>A), located in coding exon 3 of the MUTYH gene, results from a T to A substitution at nucleotide position 203. The leucine at codon 68 is replaced by glutamine, an amino acid with dissimilar properties. This amino acid position is conserved. In addition, this alteration is predicted to be tolerated by in silico analysis. Based on the available evidence, the clinical significance of this variant remains unclear.